The following is an entry in ClinVar:

NM_030665.4(RAI1):c.4032C>T (p.Phe1344=)

Gene: RAI1 (retinoic acid induced 1; plus strand). Cytogenetic location: 17p11.2.
Variant type: single nucleotide variant.
Coding change: c.4032C>T on transcript NM_030665.4 (MANE Select); coding-DNA position 4032, C replaced by T.
Protein change: p.Phe1344=; no amino-acid change (phenylalanine 1344 retained).
Molecular consequence: synonymous variant.
Genome position (GRCh38, 1-based): chr17:17,796,980, C>T. VCF-style: chr17-17796980-C-T. GRCh37 (hg19) VCF-style: chr17-17700294-C-T.
Other names: c.4032C>T (NM_030665.3).
Identifiers: ClinVar variation 1630107 (VCV001630107.9), dbSNP rs147375487, ClinGen allele CA8418879.
Genomic context (GRCh38, chr17:17,796,980, plus strand): 5'-CCGGGGCCTGAAGCTGGAAGCCATCGTGCAGAAGATCACCTCGCCCAGCCTCAAGAAGTT[C>T]GCATGTAAAGCGCCAGGGGCCTCTCCTGGTAATCCTCTGAGCCCATCCCTTTCCGACAAA-3'
Protein context (NP_109590.3, residues 1334-1354): QKITSPSLKK[Phe1344=]ACKAPGASPG

ClinVar aggregate classification (germline): Likely benign. Review status: criteria provided, multiple submitters, no conflicts (2 of 4 stars). 2 submissions from 2 submitters: Likely benign (2). Last evaluated 2025-02-07.

Conditions:
RAI1-related disorder. Also called: RAI1-related condition.

Allele frequency attached by ClinVar (database versions not stated): ExAC 0.00001; gnomAD 0.00002 and 0.00003; gnomAD exomes 0.00002 and 0.00004; TOPMed 0.00003; ESP Exome Variant Server 0.00015.
gnomAD v4.1: 61 of 1,613,744 alleles (0.0038%); highest among the groups gnomAD compares: Non-Finnish European, 0.0045%; no homozygotes.

Submissions (2):

PreventionGenetics, part of Exact Sciences
Classification: Likely benign for RAI1-related condition. Last evaluated: 2025-02-07. Review status: criteria provided, single submitter. Criteria: ACMG Guidelines, 2015. Collection method: clinical testing. Allele origin: germline.
Comment: This variant is classified as likely benign based on ACMG/AMP sequence variant interpretation guidelines (Richards et al. 2015 PMID: 25741868, with internal and published modifications).

Labcorp Genetics (formerly Invitae), Labcorp
Classification: Likely benign. Last evaluated: 2024-10-24. Review status: criteria provided, single submitter. Criteria: Invitae Variant Classification Sherloc (09022015). Collection method: clinical testing. Allele origin: germline.